The following is an entry in ClinVar:

NM_020738.4(KIDINS220):c.4636G>A (p.Glu1546Lys)

Gene: KIDINS220 (kinase D interacting substrate 220; minus strand). Cytogenetic location: 2p25.1.
Variant type: single nucleotide variant.
Coding change: c.4636G>A on transcript NM_020738.4 (MANE Select); coding-DNA position 4636, G replaced by A.
Protein change: p.Glu1546Lys; replaces glutamic acid 1546 with lysine.
Molecular consequence: missense variant. On other transcripts: intron variant (6).
Genome position (GRCh38, 1-based): chr2:8,731,400, C>T on the plus strand (G>A on the coding strand, the complement: KIDINS220 is on the minus strand). VCF-style: chr2-8731400-C-T. GRCh37 (hg19) VCF-style: chr2-8871530-C-T.
Other names: c.4639G>A, p.Glu1547Lys (NM_001348729.2); c.4582G>A, p.Glu1528Lys (NM_001348731.2); c.4579G>A, p.Glu1527Lys (NM_001348732.2); c.4468G>A, p.Glu1490Lys (NM_001348734.2); c.4465G>A, p.Glu1489Lys (NM_001348735.2); c.4339G>A, p.Glu1447Lys (NM_001348736.2); c.3882+2044G>A (NM_001348741.2, NM_001348742.2, NM_001348743.2); c.3996+2044G>A (NM_001348738.2); and 2 more; short protein forms E1490K, E1527K, E1546K, E1547K, E1447K, E1489K, E1528K.
Identifiers: ClinVar variation 1985204 (VCV001985204.5), dbSNP rs750297957, ClinGen allele CA1519338.
Genomic context (GRCh38, chr2:8,731,400, plus strand): 5'-AGGTTCTGATCGGCTCAGCACTGTGTTCTGGAGACTTCGGCACTCTCTCTACTTTCCCTT[C>T]GGCTTTTCTGTCTTTGTCATCTTTGAGCAGTGGAGTGTTATCTGATTCTTCTGTGCCAGA-3'
Protein context (NP_065789.1, residues 1536-1556): LLKDDKDRKA[Glu1546Lys]GKVERVPKSP

ClinVar aggregate classification (germline): Uncertain significance. Review status: criteria provided, single submitter (1 of 4 stars). 2 submissions from 2 submitters: Uncertain significance (1). 1 of the submissions does not count toward it. Last evaluated 2024-12-02.

Conditions:
KIDINS220-related disorder. Also called: KIDINS220-related condition.

Allele frequency attached by ClinVar (database versions not stated): gnomAD exomes below 0.00001; gnomAD 0.00001; ExAC 0.00002; TOPMed 0.00004.
gnomAD v4.1: 8 of 1,614,064 alleles (0.0005%); highest among the groups gnomAD compares: Admixed American, 0.0083%; no homozygotes.

Submissions (2):

Labcorp Genetics (formerly Invitae), Labcorp
Classification: Uncertain significance. Last evaluated: 2024-12-02. Review status: criteria provided, single submitter. Criteria: Invitae Variant Classification Sherloc (09022015). Collection method: clinical testing. Allele origin: germline.
Comment: This sequence change replaces glutamic acid, which is acidic and polar, with lysine, which is basic and polar, at codon 1546 of the KIDINS220 protein (p.Glu1546Lys). This variant is present in population databases (rs750297957, gnomAD 0.01%). This variant has not been reported in the literature in individuals affected with KIDINS220-related conditions. ClinVar contains an entry for this variant (Variation ID: 1985204). An algorithm developed to predict the effect of missense changes on protein structure and function (PolyPhen-2) suggests that this variant is likely to be tolerated. In summary, the available evidence is currently insufficient to determine the role of this variant in disease. Therefore, it has been classified as a Variant of Uncertain Significance.

PreventionGenetics, part of Exact Sciences
Classification: Uncertain significance for KIDINS220-related condition. Last evaluated: 2024-04-24. Review status: no assertion criteria provided. Collection method: clinical testing. Allele origin: germline. Not counted in ClinVar's aggregate classification.
Comment: The KIDINS220 c.4636G>A variant is predicted to result in the amino acid substitution p.Glu1546Lys. To our knowledge, this variant has not been reported in the literature. This variant is reported in 0.0099% of alleles in individuals of Ashkenazi Jewish descent in gnomAD. At this time, the clinical significance of this variant is uncertain due to the absence of conclusive functional and genetic evidence.